The following is an entry in ClinVar:

ClinVar aggregate classification (germline): Uncertain significance. Review status: criteria provided, multiple submitters, no conflicts (2 of 4 stars). 5 submissions from 4 submitters: Uncertain significance (5). Last evaluated 2025-11-20.

Conditions:
Inborn genetic diseases. Identifiers: MedGen C0950123, MeSH D030342.
Autosomal recessive multiple pterygium syndrome. Also called: MULTIPLE PTERYGIUM SYNDROME, ESCOBAR VARIANT; PTERYGIUM COLLI SYNDROME; PTERYGIUM SYNDROME; PTERYGIUM UNIVERSALE. Identifiers: Orphanet 2990, MedGen C0265261, MONDO:0009926, OMIM 265000.
Lethal multiple pterygium syndrome (LMPS). Identifiers: Orphanet 33108, MedGen C1854678, MONDO:0009668, OMIM 253290.

Allele frequency attached by ClinVar (database versions not stated): ExAC 0.00003; gnomAD exomes 0.00004; gnomAD 0.00006; TOPMed 0.00006.
gnomAD v4.1: 206 of 1,613,590 alleles (0.013%); highest among the groups gnomAD compares: Non-Finnish European, 0.016%; no homozygotes.

Submissions (5):

Ambry Genetics
Classification: Uncertain significance for Inborn genetic diseases. Last evaluated: 2025-11-20. Review status: criteria provided, single submitter. Criteria: Ambry Variant Classification Scheme 2023. Collection method: clinical testing. Allele origin: germline.

CeGaT Center for Human Genetics Tuebingen
Classification: Uncertain significance. Last evaluated: 2025-03-01. Review status: criteria provided, single submitter. Criteria: CeGaT Center For Human Genetics Tuebingen Variant Classification Criteria Version 2. Collection method: clinical testing. Allele origin: germline. Affected: yes. Observed: 2 variant alleles.
Comment: CHRNG: PM2, BP4

Fulgent Genetics
Classification: Uncertain significance for Lethal multiple pterygium syndrome; Autosomal recessive multiple pterygium syndrome. Last evaluated: 2021-07-20. Review status: criteria provided, single submitter. Criteria: ACMG Guidelines, 2015. Collection method: clinical testing. Allele origin: unknown.

Illumina Laboratory Services, Illumina
Classification: Uncertain significance for Autosomal recessive multiple pterygium syndrome. Last evaluated: 2018-01-12. Review status: criteria provided, single submitter. Criteria: ICSL Variant Classification Criteria 13 December 2019. Collection method: clinical testing. Allele origin: germline.

Illumina Laboratory Services, Illumina
Classification: Uncertain significance for Lethal multiple pterygium syndrome. Last evaluated: 2018-01-12. Review status: criteria provided, single submitter. Criteria: ICSL Variant Classification Criteria 13 December 2019. Collection method: clinical testing. Allele origin: germline.

NM_005199.5(CHRNG):c.1145C>T (p.Ser382Leu)

Genes: CHRNG (cholinergic receptor nicotinic gamma subunit; plus strand), TIGD1 (tigger transposable element derived 1; minus strand). Cytogenetic location: 2q37.1.
Variant type: single nucleotide variant.
Coding change: c.1145C>T on transcript NM_005199.5 (MANE Select); coding-DNA position 1145, C replaced by T.
Protein change: p.Ser382Leu; replaces serine 382 with leucine.
Molecular consequence: missense variant. On other transcripts: 3 prime UTR variant (1).
Genome position (GRCh38, 1-based): chr2:232,544,476, C>T. VCF-style: chr2-232544476-C-T. GRCh37 (hg19) VCF-style: chr2-233409186-C-T.
Other names: c.*3631G>A (NM_145702.4); short protein forms S382L.
Identifiers: ClinVar variation 899140 (VCV000899140.38), dbSNP rs774121021, ClinGen allele CA2168952.